The following is an entry in ClinVar:

NM_000273.3(GPR143):c.613G>T (p.Val205Phe)

Gene: GPR143 (G protein-coupled receptor 143; minus strand). Cytogenetic location: Xp22.2.
Variant type: single nucleotide variant.
Coding change: c.613G>T on transcript NM_000273.3 (MANE Select); coding-DNA position 613, G replaced by T.
Protein change: p.Val205Phe; replaces valine 205 with phenylalanine.
Molecular consequence: missense variant.
Genome position (GRCh38, 1-based): chrX:9,746,089, C>A on the plus strand (G>T on the coding strand, the complement: GPR143 is on the minus strand). VCF-style: chrX-9746089-C-A. GRCh37 (hg19) VCF-style: chrX-9714129-C-A.
Other names: short protein forms V205F.
Identifiers: ClinVar variation 1480374 (VCV001480374.6), dbSNP rs1450534505, ClinGen allele CA411997301.
Genomic context (GRCh38, chrX:9,746,089, plus strand): 5'-TTCCCTAGTATTTACCTGCAGTCACTGTCTTTTGGAACAGGATGGGGTTCGCCACGAGAA[C>A]CAGCAGCAGGGGCAGGTACATGGTGACATAGTGGGGGATGGCGTGGTCCAGGCCCCGCTC-3'
Protein context (NP_000264.2, residues 195-215): YVTMYLPLLL[Val205Phe]LVANPILFQK

ClinVar aggregate classification (germline): Uncertain significance (1 of 4 stars; one submission).

Submission:

Labcorp Genetics (formerly Invitae), Labcorp
Classification: Uncertain significance. Last evaluated: 2024-01-02. Review status: criteria provided, single submitter. Criteria: Invitae Variant Classification Sherloc (09022015). Collection method: clinical testing. Allele origin: germline.
Comment: This sequence change replaces valine, which is neutral and non-polar, with phenylalanine, which is neutral and non-polar, at codon 205 of the GPR143 protein (p.Val205Phe). This variant is not present in population databases (gnomAD no frequency). This missense change has been observed in individual(s) with GPR143-related conditions (Invitae). ClinVar contains an entry for this variant (Variation ID: 1480374). Advanced modeling of protein sequence and biophysical properties (such as structural, functional, and spatial information, amino acid conservation, physicochemical variation, residue mobility, and thermodynamic stability) performed at Invitae indicates that this missense variant is expected to disrupt GPR143 protein function with a positive predictive value of 80%. In summary, the available evidence is currently insufficient to determine the role of this variant in disease. Therefore, it has been classified as a Variant of Uncertain Significance.